The following is an entry in ClinVar:

ClinVar aggregate classification (germline): Likely pathogenic (1 of 4 stars; one submission).

Conditions:
Familial hemophagocytic lymphohistiocytosis 3 (FHL3). Also called: UNC13D-Related Familial Hemophagocytic Lymphohistiocytosis (UNC13D-fHLH). Identifiers: Orphanet 540, MedGen C1837174, MONDO:0012146, OMIM 608898.

Submission:

3billion
Classification: Likely pathogenic for Familial hemophagocytic lymphohistiocytosis 3. Last evaluated: 2024-08-06. Review status: criteria provided, single submitter. Criteria: ACMG Guidelines, 2015. Collection method: clinical testing. Allele origin: germline. Affected: yes.
Comment: The variant is not observed in the gnomAD v4.0.0 dataset. Predicted Consequence/Location: Canonical splice site: predicted to alter splicing and result in a loss or disruption of normal protein function. Multiple pathogenic loss-of-function variants are reported downstream of the variant. In silico tools predict the variant to alter splicing and produce an abnormal transcript [SpliceAI: 1.00 (spliceogenicity >=0.2, non-spliceogenicity <0.1)]. Therefore, this variant is classified as Likely pathogenic according to the recommendation of ACMG/AMP guideline.

NM_199242.3(UNC13D):c.2091+2T>G

Gene: UNC13D (unc-13 homolog D; minus strand). Cytogenetic location: 17q25.1.
Variant type: single nucleotide variant.
Coding change: c.2091+2T>G on transcript NM_199242.3 (MANE Select); the canonical splice donor site of the intron after coding-DNA position 2091, T replaced by G.
Molecular consequence: splice donor variant.
Genome position (GRCh38, 1-based): chr17:75,834,616, A>C on the plus strand (T>G on the coding strand, the complement: UNC13D is on the minus strand). VCF-style: chr17-75834616-A-C. GRCh37 (hg19) VCF-style: chr17-73830697-A-C.
Identifiers: ClinVar variation 4292806 (VCV004292806.1).
Genomic context (GRCh38, chr17:75,834,616, plus strand): 5'-TGAACTGTGCCCAGGCTGGTCCCCACACCCAGCTAGACTCCCAGCCCCAGCTCTGGCCTT[A>C]CCATGTTGGCTGCCTGGCCTTGGTCCTTCTGGCCTGAAGAGAGCTCGCGGGCCCGGGCCT-3'